The following is an entry in ClinVar:

NM_001377.3(DYNC2H1):c.6348-286T>G

Gene: DYNC2H1 (dynein cytoplasmic 2 heavy chain 1; plus strand). Cytogenetic location: 11q22.3.
Variant type: single nucleotide variant.
Coding change: c.6348-286T>G on transcript NM_001377.3 (MANE Select); 286 bases into the intron before coding-DNA position 6348, T replaced by G.
Molecular consequence: intron variant.
Genome position (GRCh38, 1-based): chr11:103,181,471, T>G. VCF-style: chr11-103181471-T-G. GRCh37 (hg19) VCF-style: chr11-103052200-T-G.
Other names: NC_000011.9:g.103052200T>G; c.6348-286T>G (NM_001080463.2).
Identifiers: ClinVar variation 672816 (VCV000672816.2), dbSNP rs17302099, ClinGen allele CA13523524.

ClinVar aggregate classification (germline): Benign (1 of 4 stars; one submission).

Allele frequency attached by ClinVar (database versions not stated): TOPMed 0.07534; 1000 Genomes Project 0.07648; 1000 Genomes Project 30x 0.07761; gnomAD 0.10058.
gnomAD v4.1: 13,392 of 151,558 alleles (8.8%); highest among the groups gnomAD compares: Non-Finnish European, 12%; 786 homozygotes.

Submissions (5):

GeneDx
Classification: Benign. Last evaluated: 2018-06-14. Review status: criteria provided, single submitter. Criteria: GeneDx Variant Classification (06012015). Collection method: clinical testing. Allele origin: germline. Affected: yes.
Comment: This variant is considered likely benign or benign based on one or more of the following criteria: it is a conservative change, it occurs at a poorly conserved position in the protein, it is predicted to be benign by multiple in silico algorithms, and/or has population frequency not consistent with disease.

Dr. Peter K. Rogan Lab, Western University
No classification provided (evidence only). Condition: Acute myeloid leukemia. Review status: no classification provided. Collection method: in vitro. Allele origin: not applicable. Functional consequence: retained intron. Not counted in ClinVar's aggregate classification.

Dr. Peter K. Rogan Lab, Western University
No classification provided (evidence only). Condition: Acute myeloid leukemia. Review status: no classification provided. Collection method: in vitro. Allele origin: not applicable. Functional consequence: retained intron. Not counted in ClinVar's aggregate classification.

Dr. Peter K. Rogan Lab, Western University
No classification provided (evidence only). Condition: Acute myeloid leukemia. Review status: no classification provided. Collection method: in vitro. Allele origin: not applicable. Functional consequence: retained intron. Not counted in ClinVar's aggregate classification.

Dr. Peter K. Rogan Lab, Western University
No classification provided (evidence only). Condition: Cervical cancer. Review status: no classification provided. Collection method: in vitro. Allele origin: not applicable. Functional consequence: retained intron. Not counted in ClinVar's aggregate classification.